The following is an entry in ClinVar:

NM_177438.3(DICER1):c.936T>A (p.Val312=)

Gene: DICER1 (dicer 1, ribonuclease III; minus strand). Cytogenetic location: 14q32.13.
Variant type: single nucleotide variant.
Coding change: c.936T>A on transcript NM_177438.3 (MANE Select); coding-DNA position 936, T replaced by A.
Protein change: p.Val312=; no amino-acid change (valine 312 retained).
Molecular consequence: synonymous variant.
Genome position (GRCh38, 1-based): chr14:95,124,636, A>T on the plus strand (T>A on the coding strand, the complement: DICER1 is on the minus strand). VCF-style: chr14-95124636-A-T. GRCh37 (hg19) VCF-style: chr14-95590973-A-T.
Other names: c.936T>A, p.Val312= (NM_001195573.1, NM_001271282.3, NM_001291628.2 and 1 more transcripts).
Identifiers: ClinVar variation 701909 (VCV000701909.17), dbSNP rs1595440564, ClinGen allele CA487632519.
Genomic context (GRCh38, chr14:95,124,636, plus strand): 5'-GTATTTCTGTAGTTCTCTTACCATCATTCCAGCTACTTTATCTGCACACCAGGGTCCCAG[A>T]ACTACCAATACGGCACGACAGTCTGATAGTATCTACAAAAAAAAGAAAAGAAAAAACCTA-3'
Protein context (NP_803187.1, residues 302-322): ILSDCRAVLV[Val312=]LGPWCADKVA

ClinVar aggregate classification (germline): Benign/Likely benign. Review status: criteria provided, multiple submitters, no conflicts (2 of 4 stars). 3 submissions from 3 submitters: Benign (1); Likely benign (2). Last evaluated 2026-08-19.

Conditions:
Hereditary cancer-predisposing syndrome. Also called: Hereditary neoplastic syndrome; Neoplastic Syndromes, Hereditary; Tumor predisposition; Hereditary Cancer Syndrome. Identifiers: Orphanet 140162, MedGen C0027672, MeSH D009386, MONDO:0015356.
DICER1-related tumor predisposition. Also called: DICER1 syndrome; DICER1-related pleuropulmonary blastoma cancer predisposition syndrome. Identifiers: Orphanet 284343, MedGen C3839822, MONDO:0100216.

Allele frequency attached by ClinVar (database versions not stated): TOPMed below 0.00001; gnomAD 0.00001; gnomAD exomes below 0.00001.
gnomAD v4.1: 3 of 1,613,582 alleles (0.00019%); highest among the groups gnomAD compares: African/African-American, 0.0027%; no homozygotes.

Submissions (3):

Myriad Genetics, Inc.
Classification: Benign for DICER1-related tumor predisposition. Last evaluated: 2026-08-19. Review status: criteria provided, single submitter. Criteria: Myriad Autosomal Dominant, Autosomal Recessive and X-Linked Classification Criteria (2023). Collection method: clinical testing. Allele origin: unknown.
Comment: This variant is considered benign. This variant is a silent/synonymous amino acid change and it is not expected to impact splicing.

Labcorp Genetics (formerly Invitae), Labcorp
Classification: Likely benign for DICER1-related tumor predisposition. Last evaluated: 2025-07-03. Review status: criteria provided, single submitter. Criteria: Invitae Variant Classification Sherloc (09022015). Collection method: clinical testing. Allele origin: germline.

Ambry Genetics
Classification: Likely benign for Hereditary cancer-predisposing syndrome. Last evaluated: 2018-11-06. Review status: criteria provided, single submitter. Criteria: Ambry Variant Classification Scheme 2023. Collection method: clinical testing. Allele origin: germline.